The following is an entry in ClinVar:

ClinVar aggregate classification (germline): Pathogenic (1 of 4 stars; one submission).

Conditions:
Hereditary nonpolyposis colorectal neoplasms. Identifiers: MedGen C0009405, MeSH D003123.

Submission:

Labcorp Genetics (formerly Invitae), Labcorp
Classification: Pathogenic for Hereditary nonpolyposis colorectal neoplasms. Last evaluated: 2024-08-13. Review status: criteria provided, single submitter. Criteria: Invitae Variant Classification Sherloc (09022015). Collection method: clinical testing. Allele origin: germline.
Comment: This sequence change creates a premature translational stop signal (p.Leu263Cysfs*44) in the PMS2 gene. It is expected to result in an absent or disrupted protein product. Loss-of-function variants in PMS2 are known to be pathogenic (PMID: 21376568, 24362816). This variant is not present in population databases (gnomAD no frequency). This variant has not been reported in the literature in individuals affected with PMS2-related conditions. For these reasons, this variant has been classified as Pathogenic.

Literature cited by the submitters: PubMed 21376568; PubMed 24362816.

NM_000535.7(PMS2):c.787del (p.Leu263fs)

Gene: PMS2 (PMS1 homolog 2, mismatch repair system component; minus strand). Cytogenetic location: 7p22.1.
Variant type: Deletion.
Coding change: c.787del on transcript NM_000535.7 (MANE Select); coding-DNA position 787, one base deleted (C; older notation c.787delC).
Protein change: p.Leu263fs; shifts the reading frame from leucine 263.
Molecular consequence: frameshift variant. On other transcripts: 5 prime UTR variant (2), non-coding transcript variant (1), intron variant (3).
Genome position (GRCh38, 1-based): chr7:5,997,342, G deleted on the plus strand (C on the coding strand, the reverse complement: PMS2 is on the minus strand). VCF-style (leftmost placement, unchanged base first): chr7-5997341-AG-A. GRCh37 (hg19) VCF-style: chr7-6036972-AG-A.
Other names: c.382delC, p.Leu128Cysfs (NM_001018040.1); c.382del, p.Leu128fs (NM_001322003.2, NM_001322004.2, NM_001322005.2 and 19 more transcripts); c.787del, p.Leu263fs (NM_001322006.2, NM_001322014.2, NM_001406870.1 and 3 more transcripts); c.469del, p.Leu157fs (NM_001322007.2, NM_001322008.2, NM_001406876.1 and 4 more transcripts); c.-147del (NM_001322011.2, NM_001322012.2); c.214del, p.Leu72fs (NM_001322013.2, NM_001406909.1); c.478del, p.Leu160fs (NM_001322015.2, NM_001406875.1, NM_001406877.1 and 6 more transcripts); c.973del, p.Leu325fs (NM_001406866.1); and 8 more; short protein forms L128fs, L72fs, L157fs, L160fs, L325fs, L151fs, L263fs, L271fs.
Identifiers: ClinVar variation 2853569 (VCV002853569.3), dbSNP rs2536218047, ClinGen allele CA2739266251.